The following is an entry in ClinVar:

ClinVar aggregate classification (germline): Uncertain significance (1 of 4 stars; one submission).

Allele frequency attached by ClinVar (database versions not stated): gnomAD exomes below 0.00001; ExAC 0.00001; gnomAD 0.00001; 1000 Genomes Project 30x 0.00016; 1000 Genomes Project 0.00020.
gnomAD v4.1: 2 of 1,614,070 alleles (0.00012%); highest among the groups gnomAD compares: African/African-American, 0.0013%; no homozygotes.

Submission:

Labcorp Genetics (formerly Invitae), Labcorp
Classification: Uncertain significance. Last evaluated: 2022-07-14. Review status: criteria provided, single submitter. Criteria: Invitae Variant Classification Sherloc (09022015). Collection method: clinical testing. Allele origin: germline.
Comment: This sequence change replaces proline, which is neutral and non-polar, with leucine, which is neutral and non-polar, at codon 3543 of the FAT4 protein (p.Pro3543Leu). This variant is present in population databases (rs563880519, gnomAD 0.007%). This variant has not been reported in the literature in individuals affected with FAT4-related conditions. Algorithms developed to predict the effect of missense changes on protein structure and function (SIFT, PolyPhen-2, Align-GVGD) all suggest that this variant is likely to be disruptive. In summary, the available evidence is currently insufficient to determine the role of this variant in disease. Therefore, it has been classified as a Variant of Uncertain Significance.

NM_001291303.3(FAT4):c.10634C>T (p.Pro3545Leu)

Gene: FAT4 (FAT atypical cadherin 4; plus strand). Cytogenetic location: 4q28.1.
Variant type: single nucleotide variant.
Coding change: c.10634C>T on transcript NM_001291303.3 (MANE Select); coding-DNA position 10634, C replaced by T.
Protein change: p.Pro3545Leu; replaces proline 3545 with leucine.
Molecular consequence: missense variant.
Genome position (GRCh38, 1-based): chr4:125,451,644, C>T. VCF-style: chr4-125451644-C-T. GRCh37 (hg19) VCF-style: chr4-126372799-C-T.
Other names: c.10634C>T, p.Pro3545Leu (NM_001291285.3); c.10628C>T, p.Pro3543Leu (NM_024582.6); short protein forms P3545L, P3543L.
Identifiers: ClinVar variation 2083168 (VCV002083168.4), dbSNP rs563880519, ClinGen allele CA3073714.